The following is an entry in ClinVar:

ClinVar aggregate classification (germline): Uncertain significance. Review status: criteria provided, multiple submitters, no conflicts (2 of 4 stars). 3 submissions from 3 submitters: Uncertain significance (3). Last evaluated 2025-02-03.

Conditions:
Aortic aneurysm, familial thoracic 7 (AAT7). Also called: AORTIC DISSECTION, FAMILIAL, WITH OR WITHOUT AORTIC ANEURYSM. Identifiers: MedGen C3151077, MONDO:0013418, OMIM 613780.
Familial thoracic aortic aneurysm and aortic dissection (TAAD). Also called: Thoracic aortic aneurysms and dissections. Identifiers: Orphanet 91387, MedGen C4707243, MONDO:0019625.

gnomAD v4.1: 7 of 1,613,868 alleles (0.00043%); highest among the groups gnomAD compares: Non-Finnish European, 0.00059%; no homozygotes.

Submissions (3):

Labcorp Genetics (formerly Invitae), Labcorp
Classification: Uncertain significance for Aortic aneurysm, familial thoracic 7. Last evaluated: 2025-02-03. Review status: criteria provided, single submitter. Criteria: Invitae Variant Classification Sherloc (09022015). Collection method: clinical testing. Allele origin: germline.
Comment: This sequence change replaces alanine, which is neutral and non-polar, with aspartic acid, which is acidic and polar, at codon 1053 of the MYLK protein (p.Ala1053Asp). This variant is present in population databases (no rsID available, gnomAD 0.0009%). This variant has not been reported in the literature in individuals affected with MYLK-related conditions. ClinVar contains an entry for this variant (Variation ID: 3297591). Invitae Evidence Modeling of protein sequence and biophysical properties (such as structural, functional, and spatial information, amino acid conservation, physicochemical variation, residue mobility, and thermodynamic stability) indicates that this missense variant is not expected to disrupt MYLK protein function with a negative predictive value of 80%. In summary, the available evidence is currently insufficient to determine the role of this variant in disease. Therefore, it has been classified as a Variant of Uncertain Significance.

Ambry Genetics
Classification: Uncertain significance for Familial thoracic aortic aneurysm and aortic dissection. Last evaluated: 2024-03-19. Review status: criteria provided, single submitter. Criteria: Ambry Variant Classification Scheme 2023. Collection method: clinical testing. Allele origin: germline.
Comment: The p.A1053D variant (also known as c.3158C>A), located in coding exon 15 of the MYLK gene, results from a C to A substitution at nucleotide position 3158. The alanine at codon 1053 is replaced by aspartic acid, an amino acid with dissimilar properties. This amino acid position is conserved. In addition, this alteration is predicted to be tolerated by in silico analysis. Based on the available evidence, the clinical significance of this alteration remains unclear.

GeneDx
Classification: Uncertain significance. Last evaluated: 2024-02-01. Review status: criteria provided, single submitter. Criteria: GeneDx Variant Classification Process June 2021. Collection method: clinical testing. Allele origin: germline. Affected: yes.
Comment: Has not been previously published as pathogenic or benign to our knowledge; Not observed at significant frequency in large population cohorts (gnomAD); In silico analysis supports that this missense variant does not alter protein structure/function

NM_053025.4(MYLK):c.3158C>A (p.Ala1053Asp)

Gene: MYLK (myosin light chain kinase; minus strand). Cytogenetic location: 3q21.1.
Variant type: single nucleotide variant.
Coding change: c.3158C>A on transcript NM_053025.4 (MANE Select); coding-DNA position 3158, C replaced by A.
Protein change: p.Ala1053Asp; replaces alanine 1053 with aspartic acid.
Molecular consequence: missense variant.
Genome position (GRCh38, 1-based): chr3:123,700,310, G>T on the plus strand (C>A on the coding strand, the complement: MYLK is on the minus strand). VCF-style: chr3-123700310-G-T. GRCh37 (hg19) VCF-style: chr3-123419157-G-T.
Other names: c.2630C>A, p.Ala877Asp (NM_001321309.2); c.2951C>A, p.Ala984Asp (NM_053026.4, NM_053028.4); c.3158C>A, p.Ala1053Asp (NM_053027.4); short protein forms A1053D, A877D, A984D.
Identifiers: ClinVar variation 3297591 (VCV003297591.4).
Genomic context (GRCh38, chr3:123,700,310, plus strand): 5'-TTCTTAACGTCTTTCTTGAGTTCTTCTTTGCTAGCGGATTTCAGGTTCTCATCAGGCTTG[G>T]CATTGCCCATGGGCTTCAGGGTCTCGGCAGGCTTGGCGTTGCCCATTGGCTTCAGGGTCT-3'
Protein context (NP_444253.3, residues 1043-1063): PAETLKPMGN[Ala1053Asp]KPDENLKSAS